The following is an entry in ClinVar:

ClinVar aggregate classification (germline): Pathogenic. Review status: criteria provided, multiple submitters, no conflicts (2 of 4 stars). 3 submissions from 3 submitters: Pathogenic (3). Last evaluated 2025-10-29.

Conditions:
TJP2-related disorder. Also called: TJP2-related condition.
Inborn genetic diseases. Identifiers: MedGen C0950123, MeSH D030342.

Allele frequency attached by ClinVar (database versions not stated): TOPMed 0.00001; gnomAD 0.00002 and 0.00003.
gnomAD v4.1: 9 of 1,442,088 alleles (0.00062%); highest among the groups gnomAD compares: Admixed American, 0.0021%; no homozygotes.

Submissions (3):

PreventionGenetics, part of Exact Sciences
Classification: Pathogenic for TJP2-related condition. Last evaluated: 2025-10-29. Review status: criteria provided, single submitter. Criteria: ACMG Guidelines, 2015. Collection method: clinical testing. Allele origin: germline.
Comment: The TJP2 c.1771C>T variant is predicted to result in premature protein termination (p.Arg591*). To our knowledge, this variant has not been reported in the literature. This variant is reported in 0.0068% of alleles in individuals of European (non-Finnish) descent in gnomAD. Nonsense variants in TJP2 are expected to be pathogenic. This variant is interpreted as pathogenic.

Ambry Genetics
Classification: Pathogenic for Inborn genetic diseases. Last evaluated: 2018-02-09. Review status: criteria provided, single submitter. Criteria: Ambry exome assertion method (8-5-2015). Collection method: clinical testing. Allele origin: germline. Affected: yes. Observed: 1 variant allele.

Eurofins Ntd Llc (ga)
Classification: Pathogenic. Last evaluated: 2017-11-15. Review status: criteria provided, single submitter. Criteria: EGL Classification Definitions 2015. Collection method: clinical testing. Allele origin: germline. Observed: 1 variant allele, 1 heterozygote.

NM_004817.4(TJP2):c.1771C>T (p.Arg591Ter)

Gene: TJP2 (tight junction protein 2; plus strand). Cytogenetic location: 9q21.11.
Variant type: single nucleotide variant.
Coding change: c.1771C>T on transcript NM_004817.4 (MANE Select); coding-DNA position 1771, C replaced by T.
Protein change: p.Arg591Ter; replaces arginine 591 with a stop codon.
Molecular consequence: nonsense.
Genome position (GRCh38, 1-based): chr9:69,234,538, C>T. VCF-style: chr9-69234538-C-T. GRCh37 (hg19) VCF-style: chr9-71849454-C-T.
Other names: c.1771C>T, p.Arg591Ter (LRG_1201t1, NM_001369872.1, NM_001369873.1 and 1 more transcripts); c.1702C>T, p.Arg568Ter (NM_001170414.2, NM_001369871.1); c.1783C>T, p.Arg595Ter (NM_001170415.1, NM_001369874.1, NM_001369875.1); c.1864C>T, p.Arg622Ter (NM_001170416.2); c.1696C>T, p.Arg566Ter (NM_001369870.1); short protein forms R591*, R566*, R568*, R595*, R622*.
Identifiers: ClinVar variation 595031 (VCV000595031.8), dbSNP rs764379398, ClinGen allele CA193369718.